The following is an entry in ClinVar:

NM_001040142.2(SCN2A):c.4959G>C (p.Leu1653Phe)

Gene: SCN2A (sodium voltage-gated channel alpha subunit 2; plus strand). Cytogenetic location: 2q24.3.
Variant type: single nucleotide variant.
Coding change: c.4959G>C on transcript NM_001040142.2 (MANE Select); coding-DNA position 4959, G replaced by C.
Protein change: p.Leu1653Phe; replaces leucine 1653 with phenylalanine.
Molecular consequence: missense variant.
Genome position (GRCh38, 1-based): chr2:165,388,765, G>C. VCF-style: chr2-165388765-G-C. GRCh37 (hg19) VCF-style: chr2-166245275-G-C.
Other names: c.4959G>C, p.Leu1653Phe (NM_001371247.1, NM_021007.3, NM_001040143.2 and 1 more transcripts); short protein forms L1653F.
Identifiers: ClinVar variation 978919 (VCV000978919.3), dbSNP rs1702008760, ClinGen allele CA349037870.

ClinVar aggregate classification (germline): Pathogenic/Likely pathogenic. Review status: criteria provided, multiple submitters, no conflicts (2 of 4 stars). 2 submissions from 2 submitters: Pathogenic (1); Likely pathogenic (1). Last evaluated 2025-04-02.

Conditions:
Seizures, benign familial infantile, 3 (BFIS3). Also called: CONVULSIONS, BENIGN FAMILIAL INFANTILE, 3; Familial neonatal seizures. Identifiers: Orphanet 140927, Orphanet 306, MedGen C1843140, MONDO:0011904, OMIM 607745.
Developmental and epileptic encephalopathy, 11 (DEE11). Also called: Early infantile epileptic encephalopathy 11. Identifiers: Orphanet 1934, MedGen C3150987, MONDO:0013388, OMIM 613721.
Intellectual disability. Also called: intellectual disabilities; Intellectual developmental disorder; Intellectual functioning disability. Identifiers: MedGen C3714756, MeSH D008607, MONDO:0001071, HP:0001249.

Submissions (2):

Labcorp Genetics (formerly Invitae), Labcorp
Classification: Pathogenic for Seizures, benign familial infantile, 3; Developmental and epileptic encephalopathy, 11. Last evaluated: 2025-04-02. Review status: criteria provided, single submitter. Criteria: Invitae Variant Classification Sherloc (09022015). Collection method: clinical testing. Allele origin: germline.
Comment: This sequence change replaces leucine, which is neutral and non-polar, with phenylalanine, which is neutral and non-polar, at codon 1653 of the SCN2A protein (p.Leu1653Phe). This variant is not present in population databases (gnomAD no frequency). This missense change has been observed in individual(s) with SCN2A-related conditions (PMID: 34489640, 38174099). In at least one individual the variant was observed to be de novo. ClinVar contains an entry for this variant (Variation ID: 978919). Invitae Evidence Modeling of protein sequence and biophysical properties (such as structural, functional, and spatial information, amino acid conservation, physicochemical variation, residue mobility, and thermodynamic stability) has been performed for this missense variant. However, the output from this modeling did not meet the statistical confidence thresholds required to predict the impact of this variant on SCN2A protein function. For these reasons, this variant has been classified as Pathogenic.

Diagnostic Laboratory, Strasbourg University Hospital
Classification: Likely pathogenic for Intellectual disability. Last evaluated: 2020-04-20. Review status: criteria provided, single submitter. Criteria: ACMG Guidelines, 2015. Collection method: clinical testing. Allele origin: de novo. Inheritance: Autosomal dominant inheritance. Affected: yes. Observed: 1 heterozygote.

Literature cited by the submitters: PubMed 34489640 (cited by Labcorp Genetics (formerly Invitae), Labcorp); PubMed 38174099 (cited by Labcorp Genetics (formerly Invitae), Labcorp).